The following is an entry in ClinVar:

NM_001844.5(COL2A1):c.2032G>A (p.Gly678Arg)

Gene: COL2A1 (collagen type II alpha 1 chain; minus strand). Cytogenetic location: 12q13.11.
Variant type: single nucleotide variant.
Coding change: c.2032G>A on transcript NM_001844.5 (MANE Select); coding-DNA position 2032, G replaced by A.
Protein change: p.Gly678Arg; replaces glycine 678 with arginine.
Molecular consequence: missense variant.
Genome position (GRCh38, 1-based): chr12:47,983,402, C>T on the plus strand (G>A on the coding strand, the complement: COL2A1 is on the minus strand). VCF-style: chr12-47983402-C-T. GRCh37 (hg19) VCF-style: chr12-48377185-C-T.
Other names: c.1825G>A, p.Gly609Arg (NM_033150.3); c.2032G>A (NM_001844.4); short protein forms G609R, G678R.
Identifiers: ClinVar variation 4280675 (VCV004280675.2).
Genomic context (GRCh38, chr12:47,983,402, plus strand): 5'-TCCCATCTAAACAGGTTGCAGGTCCAAAGAGCCCCATACTCACCTGGTCACCTGGTTTTC[C>T]ACCTTCACCTGGGGGACCAGGAGGGCCAGGAAGTCCCTAGAAGCCGAAGTGACAAGCGTT-3'
Protein context (NP_001835.3, residues 668-688): PGPPGPPGEG[Gly678Arg]KPGDQGVPGE

ClinVar aggregate classification (germline): Pathogenic/Likely pathogenic. Review status: criteria provided, multiple submitters, no conflicts (2 of 4 stars). 2 submissions from 2 submitters: Pathogenic (1); Likely pathogenic (1). Last evaluated 2026-01-25.

Conditions:
Type 2 collagenopathy. Identifiers: Orphanet 93421, MedGen C2931073, MONDO:0022800.

Submissions (2):

GeneDx
Classification: Likely pathogenic. Last evaluated: 2026-01-25. Review status: criteria provided, single submitter. Criteria: GeneDx Variant Classification Process June 2021. Collection method: clinical testing. Allele origin: germline.
Comment: Occurs in the triple helical domain and replaces a glycine in a canonical Gly-X-Y repeat; missense substitution of a canonical glycine residue is expected to disrupt normal protein folding and function, and this is an established mechanism of disease (PMID: 34007986); Not observed at significant frequency in large population cohorts (gnomAD); In silico analysis supports that this missense variant has a deleterious effect on protein structure/function; This variant is associated with the following publications: (PMID: 34007986, 30740902)

Institute of Human Genetics, FAU Erlangen, Friedrich-Alexander-Universität Erlangen-Nürnberg
Classification: Pathogenic for Type 2 collagenopathy. Last evaluated: 2025-10-19. Review status: criteria provided, single submitter. Criteria: Hauer et al. (Genet Med. 2018). Collection method: clinical testing. Allele origin: germline. Inheritance: Autosomal dominant inheritance. Affected: yes. Observed: 1 variant allele.
Comment: This variant has been identified by standard clinical testing. Selected ACMG criteria: Pathogenic (III):PP3;PM5;PM2;PM1;PS2